The following is an entry in ClinVar:

ClinVar aggregate classification (germline): Uncertain significance. Review status: criteria provided, multiple submitters, no conflicts (2 of 4 stars). 2 submissions from 2 submitters: Uncertain significance (2). Last evaluated 2025-12-15.

Conditions:
Hereditary cancer-predisposing syndrome. Also called: Neoplastic Syndromes, Hereditary; Hereditary Cancer Syndrome; Hereditary neoplastic syndrome; Tumor predisposition. Identifiers: Orphanet 140162, MedGen C0027672, MeSH D009386, MONDO:0015356.
Rhabdoid tumor predisposition syndrome 2 (RTPS2). Identifiers: Orphanet 231108, Orphanet 69077, MedGen C2750074, MONDO:0013224, OMIM 613325.

Allele frequency attached by ClinVar (database versions not stated): gnomAD exomes below 0.00001.
gnomAD v4.1: 1 of 1,613,388 alleles (0.000062%); highest among the groups gnomAD compares: Non-Finnish European, 0.000085%; no homozygotes.

Submissions (2):

Labcorp Genetics (formerly Invitae), Labcorp
Classification: Uncertain significance for Rhabdoid tumor predisposition syndrome 2. Last evaluated: 2025-12-15. Review status: criteria provided, single submitter. Criteria: Invitae Variant Classification Sherloc (09022015). Collection method: clinical testing. Allele origin: germline.
Comment: This sequence change replaces asparagine, which is neutral and polar, with serine, which is neutral and polar, at codon 1208 of the SMARCA4 protein (p.Asn1208Ser). This variant is not present in population databases (gnomAD no frequency). This variant has not been reported in the literature in individuals affected with SMARCA4-related conditions. ClinVar contains an entry for this variant (Variation ID: 1421997). Invitae Evidence Modeling of protein sequence and biophysical properties (such as structural, functional, and spatial information, amino acid conservation, physicochemical variation, residue mobility, and thermodynamic stability) indicates that this missense variant is expected to disrupt SMARCA4 protein function with a positive predictive value of 95%. In summary, the available evidence is currently insufficient to determine the role of this variant in disease. Therefore, it has been classified as a Variant of Uncertain Significance.

Ambry Genetics
Classification: Uncertain significance for Hereditary cancer-predisposing syndrome. Last evaluated: 2025-10-19. Review status: criteria provided, single submitter. Criteria: Ambry Variant Classification Scheme 2023. Collection method: clinical testing. Allele origin: germline.
Comment: The p.N1208S variant (also known as c.3623A>G), located in coding exon 25 of the SMARCA4 gene, results from an A to G substitution at nucleotide position 3623. The asparagine at codon 1208 is replaced by serine, an amino acid with highly similar properties. This amino acid position is conserved. In addition, this alteration is predicted to be tolerated by in silico analysis. Based on the available evidence, the clinical significance of this variant remains unclear.

NM_003072.5(SMARCA4):c.3623A>G (p.Asn1208Ser)

Gene: SMARCA4 (SWI/SNF related BAF chromatin remodeling complex subunit ATPase 4; plus strand). Cytogenetic location: 19p13.2.
Variant type: single nucleotide variant.
Coding change: c.3623A>G on transcript NM_003072.5 (MANE Select); coding-DNA position 3623, A replaced by G.
Protein change: p.Asn1208Ser; replaces asparagine 1208 with serine.
Molecular consequence: missense variant. On other transcripts: non-coding transcript variant (1).
Genome position (GRCh38, 1-based): chr19:11,033,366, A>G. VCF-style: chr19-11033366-A-G. GRCh37 (hg19) VCF-style: chr19-11144042-A-G.
Other names: c.3623A>G (NM_001128849.1); c.3623A>G, p.Asn1208Ser (NM_001128844.3, NM_001128845.2, NM_001128846.2 and 5 more transcripts); short protein forms N1208S.
Identifiers: ClinVar variation 1421997 (VCV001421997.7), dbSNP rs2146650410, ClinGen allele CA404065452.